The following is an entry in ClinVar:

NM_015122.3(FCHO1):c.1099C>T (p.Arg367Trp)

Gene: FCHO1 (FCH and mu domain containing endocytic adaptor 1; plus strand). Cytogenetic location: 19p13.11.
Variant type: single nucleotide variant.
Coding change: c.1099C>T on transcript NM_015122.3 (MANE Select); coding-DNA position 1099, C replaced by T.
Protein change: p.Arg367Trp; replaces arginine 367 with tryptophan.
Molecular consequence: missense variant. On other transcripts: non-coding transcript variant (36).
Genome position (GRCh38, 1-based): chr19:17,776,078, C>T. VCF-style: chr19-17776078-C-T. GRCh37 (hg19) VCF-style: chr19-17886887-C-T.
Other names: c.1099C>T, p.Arg367Trp (NM_001161357.2, NM_001161358.2, NM_001384370.1 and 25 more transcripts); c.949C>T, p.Arg317Trp (NM_001161359.2, NM_001384384.1, NM_001384385.1 and 3 more transcripts); c.1060C>T, p.Arg354Trp (NM_001384388.1, NM_001384389.1, NM_001384405.1); c.1024C>T, p.Arg342Trp (NM_001384390.1); c.1054C>T, p.Arg352Trp (NM_001384403.1); c.1099C>T (NM_001161357.1); short protein forms R352W, R367W, R342W, R317W, R354W.
Identifiers: ClinVar variation 1345511 (VCV001345511.5), dbSNP rs764614162, ClinGen allele CA9300389.

ClinVar aggregate classification (germline): Uncertain significance. Review status: criteria provided, multiple submitters, no conflicts (2 of 4 stars). 2 submissions from 2 submitters: Uncertain significance (2). Last evaluated 2025-03-27.

Allele frequency attached by ClinVar (database versions not stated): TOPMed 0.00001; gnomAD exomes 0.00002 and 0.00003; ExAC 0.00003.
gnomAD v4.1: 30 of 1,611,838 alleles (0.0019%); highest among the groups gnomAD compares: South Asian, 0.012%; no homozygotes.

Submissions (2):

Labcorp Genetics (formerly Invitae), Labcorp
Classification: Uncertain significance. Last evaluated: 2025-03-27. Review status: criteria provided, single submitter. Criteria: Invitae Variant Classification Sherloc (09022015). Collection method: clinical testing. Allele origin: germline.
Comment: This sequence change replaces arginine, which is basic and polar, with tryptophan, which is neutral and slightly polar, at codon 367 of the FCHO1 protein (p.Arg367Trp). This variant is present in population databases (rs764614162, gnomAD 0.02%). This variant has not been reported in the literature in individuals affected with FCHO1-related conditions. ClinVar contains an entry for this variant (Variation ID: 1345511). An algorithm developed to predict the effect of missense changes on protein structure and function (PolyPhen-2) suggests that this variant is likely to be disruptive. In summary, the available evidence is currently insufficient to determine the role of this variant in disease. Therefore, it has been classified as a Variant of Uncertain Significance.

Ambry Genetics
Classification: Uncertain significance. Last evaluated: 2024-09-24. Review status: criteria provided, single submitter. Criteria: Ambry Variant Classification Scheme 2023. Collection method: clinical testing. Allele origin: germline.